The following is an entry in ClinVar:

ClinVar aggregate classification (germline): Uncertain significance (1 of 4 stars; one submission).

gnomAD v4.1: 2 of 1,610,358 alleles (0.00012%); highest among the groups gnomAD compares: Non-Finnish European, 0.00017%; no homozygotes.

Submission:

Labcorp Genetics (formerly Invitae), Labcorp
Classification: Uncertain significance. Last evaluated: 2025-12-13. Review status: criteria provided, single submitter. Criteria: Invitae Variant Classification Sherloc (09022015). Collection method: clinical testing. Allele origin: germline.
Comment: This sequence change replaces arginine, which is basic and polar, with proline, which is neutral and non-polar, at codon 843 of the KMT2B protein (p.Arg843Pro). This variant is present in population databases (no rsID available, gnomAD 0.007%). This variant has not been reported in the literature in individuals affected with KMT2B-related conditions. Invitae Evidence Modeling of protein sequence and biophysical properties (such as structural, functional, and spatial information, amino acid conservation, physicochemical variation, residue mobility, and thermodynamic stability) has been performed for this missense variant. However, the output from this modeling did not meet the statistical confidence thresholds required to predict the impact of this variant on KMT2B protein function. In summary, the available evidence is currently insufficient to determine the role of this variant in disease. Therefore, it has been classified as a Variant of Uncertain Significance.

NM_014727.3(KMT2B):c.2528G>C (p.Arg843Pro)

Gene: KMT2B (lysine methyltransferase 2B; plus strand). Cytogenetic location: 19q13.12.
Variant type: single nucleotide variant.
Coding change: c.2528G>C on transcript NM_014727.3 (MANE Select); coding-DNA position 2528, G replaced by C.
Protein change: p.Arg843Pro; replaces arginine 843 with proline.
Molecular consequence: missense variant.
Genome position (GRCh38, 1-based): chr19:35,722,429, G>C. VCF-style: chr19-35722429-G-C. GRCh37 (hg19) VCF-style: chr19-36213331-G-C.
Other names: short protein forms R843P.
Identifiers: ClinVar variation 4720556 (VCV004720556.1).